The following is an entry in ClinVar:

ClinVar aggregate classification (germline): Uncertain significance. Review status: criteria provided, multiple submitters, no conflicts (2 of 4 stars). 3 submissions from 3 submitters: Uncertain significance (3). Last evaluated 2024-11-29.

Conditions:
Salla disease (SD). Also called: Sialuria, Finnish type; N-acetylneuraminic acid (NANA) storage disease (NSD); Infantile sialic acid storage disorder (ISSD); Less Severe FSASD (Salla Disease). Identifiers: Orphanet 309334, Orphanet 834, MedGen C1096903, MONDO:0011449, OMIM 604369.
Sialic acid storage disease, severe infantile type (ISSD). Also called: INFANTILE SIALIC ACID STORAGE DISORDER; N-ACETYLNEURAMINIC ACID STORAGE DISEASE; NANA STORAGE DISEASE; SIALURIA, INFANTILE FORM; Infantile Sialic Acid Storage Disease; Free sialic acid storage disease, infantile form. Identifiers: Orphanet 309324, Orphanet 834, MedGen C1096902, MONDO:0010027, OMIM 269920.

Allele frequency attached by ClinVar (database versions not stated): gnomAD exomes 0.00004 and 0.00012; gnomAD 0.00005 and 0.00006; ESP Exome Variant Server 0.00008; ExAC 0.00004.
gnomAD v4.1: 172 of 1,613,930 alleles (0.011%); highest among the groups gnomAD compares: Non-Finnish European, 0.014%; no homozygotes.

Submissions (3):

Labcorp Genetics (formerly Invitae), Labcorp
Classification: Uncertain significance for Salla disease. Last evaluated: 2024-11-29. Review status: criteria provided, single submitter. Criteria: Invitae Variant Classification Sherloc (09022015). Collection method: clinical testing. Allele origin: germline.
Comment: This sequence change replaces glycine, which is neutral and non-polar, with alanine, which is neutral and non-polar, at codon 383 of the SLC17A5 protein (p.Gly383Ala). This variant is present in population databases (rs372477546, gnomAD 0.007%). This variant has not been reported in the literature in individuals affected with SLC17A5-related conditions. ClinVar contains an entry for this variant (Variation ID: 1477146). Invitae Evidence Modeling of protein sequence and biophysical properties (such as structural, functional, and spatial information, amino acid conservation, physicochemical variation, residue mobility, and thermodynamic stability) has been performed for this missense variant. However, the output from this modeling did not meet the statistical confidence thresholds required to predict the impact of this variant on SLC17A5 protein function. In summary, the available evidence is currently insufficient to determine the role of this variant in disease. Therefore, it has been classified as a Variant of Uncertain Significance.

Women's Health and Genetics/Laboratory Corporation of America, LabCorp
Classification: Uncertain significance. Last evaluated: 2024-08-02. Review status: criteria provided, single submitter. Criteria: LabCorp Variant Classification Summary - May 2015. Collection method: clinical testing. Allele origin: germline.
Comment: Variant summary: SLC17A5 c.1148G>C (p.Gly383Ala) results in a non-conservative amino acid change located in the Major facilitator superfamily domain (IPR020846) of the encoded protein sequence. Three of five in-silico tools predict a damaging effect of the variant on protein function. The variant allele was found at a frequency of 3.6e-05 in 251460 control chromosomes. The available data on variant occurrences in the general population are insufficient to allow any conclusion about variant significance. To our knowledge, no occurrence of c.1148G>C in individuals affected with Sialic Acid Storage Disorder and no experimental evidence demonstrating its impact on protein function have been reported. ClinVar contains an entry for this variant (Variation ID: 1477146). Based on the evidence outlined above, the variant was classified as uncertain significance.

Fulgent Genetics
Classification: Uncertain significance for Sialic acid storage disease, severe infantile type; Salla disease. Last evaluated: 2024-02-13. Review status: criteria provided, single submitter. Criteria: ACMG Guidelines, 2015. Collection method: clinical testing. Allele origin: germline.

NM_012434.5(SLC17A5):c.1148G>C (p.Gly383Ala)

Gene: SLC17A5 (solute carrier family 17 member 5; minus strand). Cytogenetic location: 6q13.
Variant type: single nucleotide variant.
Coding change: c.1148G>C on transcript NM_012434.5 (MANE Select); coding-DNA position 1148, G replaced by C.
Protein change: p.Gly383Ala; replaces glycine 383 with alanine.
Molecular consequence: missense variant.
Genome position (GRCh38, 1-based): chr6:73,610,511, C>G on the plus strand (G>C on the coding strand, the complement: SLC17A5 is on the minus strand). VCF-style: chr6-73610511-C-G. GRCh37 (hg19) VCF-style: chr6-74320234-C-G.
Other names: c.917G>C, p.Gly306Ala (NM_001382629.1); c.1148G>C, p.Gly383Ala (NM_001382630.1, NM_001382633.1); c.1169G>C, p.Gly390Ala (NM_001382631.1); c.1061G>C, p.Gly354Ala (NM_001382632.1); c.989G>C, p.Gly330Ala (NM_001382634.1); c.1145G>C, p.Gly382Ala (NM_001382635.1); c.830G>C, p.Gly277Ala (NM_001382636.1); short protein forms G306A, G354A, G277A, G330A, G383A, G382A, G390A.
Identifiers: ClinVar variation 1477146 (VCV001477146.9), dbSNP rs372477546, ClinGen allele CA3890334.